The following is an entry in ClinVar:

ClinVar aggregate classification (germline): Likely benign. Review status: criteria provided, multiple submitters, no conflicts (2 of 4 stars). 3 submissions from 3 submitters: Likely benign (2). 1 of the submissions does not count toward it. Last evaluated 2026-01-28.

Conditions:
DNMT3B-related disorder. Also called: DNMT3B-related condition.
Centromeric instability of chromosomes 1,9 and 16 and immunodeficiency (ICF1). Also called: IMMUNE DEFICIENCY, VARIABLE, WITH CENTROMERIC INSTABILITY OF CHROMOSOMES 1, 9, AND 16; IMMUNODEFICIENCY SYNDROME, VARIABLE; CENTROMERIC INSTABILITY, IMMUNODEFICIENCY SYNDROME; Immunodeficiency-centromeric instability-facial anomalies. Identifiers: Orphanet 2268, MedGen C0398788, MONDO:0000133.

Allele frequency attached by ClinVar (database versions not stated): gnomAD exomes 0.00007 and 0.00015; ExAC 0.00018; 1000 Genomes Project 0.00040; gnomAD 0.00050 and 0.00052; TOPMed 0.00059; 1000 Genomes Project 30x 0.00062; ESP Exome Variant Server 0.00085.
gnomAD v4.1: 191 of 1,613,938 alleles (0.012%); highest among the groups gnomAD compares: African/African-American, 0.18%; no homozygotes.

Submissions (3):

Labcorp Genetics (formerly Invitae), Labcorp
Classification: Likely benign for Centromeric instability of chromosomes 1,9 and 16 and immunodeficiency. Last evaluated: 2026-01-28. Review status: criteria provided, single submitter. Criteria: Invitae Variant Classification Sherloc (09022015). Collection method: clinical testing. Allele origin: germline.

Blueprint Genetics
Classification: Likely benign. Last evaluated: 2024-11-25. Review status: criteria provided, single submitter. Criteria: ACMG Guidelines, 2015. Collection method: clinical testing. Allele origin: germline.

PreventionGenetics, part of Exact Sciences
Classification: Likely benign for DNMT3B-related condition. Last evaluated: 2019-12-18. Review status: no assertion criteria provided. Collection method: clinical testing. Allele origin: germline. Not counted in ClinVar's aggregate classification.
Comment: This variant is classified as likely benign based on ACMG/AMP sequence variant interpretation guidelines (Richards et al. 2015 PMID: 25741868, with internal and published modifications).

NM_006892.4(DNMT3B):c.411C>T (p.Pro137=)

Gene: DNMT3B (DNA methyltransferase 3 beta; plus strand). Cytogenetic location: 20q11.21.
Variant type: single nucleotide variant.
Coding change: c.411C>T on transcript NM_006892.4 (MANE Select); coding-DNA position 411, C replaced by T.
Protein change: p.Pro137=; no amino-acid change (proline 137 retained).
Molecular consequence: synonymous variant. On other transcripts: intron variant (2).
Genome position (GRCh38, 1-based): chr20:32,786,606, C>T. VCF-style: chr20-32786606-C-T. GRCh37 (hg19) VCF-style: chr20-31374412-C-T.
Other names: c.411C>T, p.Pro137= (NM_175848.2, NM_175849.2); c.447C>T, p.Pro149= (NM_175850.3); c.307-624C>T (NM_001207055.2); c.205-624C>T (NM_001207056.2).
Identifiers: ClinVar variation 785653 (VCV000785653.14), dbSNP rs141329174, ClinGen allele CA9810186.